The following is an entry in ClinVar:

ClinVar aggregate classification (germline): Conflicting classifications of pathogenicity. Review status: criteria provided, conflicting classifications (1 of 4 stars). 7 submissions from 7 submitters: Uncertain significance (3); Likely benign (4). Last evaluated 2026-04-01.

Conditions:
PTPN11-related disorder. Also called: PTPN11-Related Disorders.
Cardiovascular phenotype. Identifiers: MedGen CN230736.
RASopathy. Also called: Noonan spectrum disorder; rasopathies. Identifiers: Orphanet 536391, MedGen C5555857, MONDO:0021060.

Allele frequency attached by ClinVar (database versions not stated): ExAC 0.00001; gnomAD 0.00002; TOPMed 0.00003; gnomAD exomes 0.00004.
gnomAD v4.1: 131 of 1,613,742 alleles (0.0081%); highest among the groups gnomAD compares: Middle Eastern, 0.016%; no homozygotes.

Submissions (7):

PreventionGenetics, part of Exact Sciences
Classification: Uncertain significance for PTPN11-related condition. Last evaluated: 2026-04-01. Review status: criteria provided, single submitter. Criteria: ACMG Guidelines, 2015. Collection method: clinical testing. Allele origin: germline.
Comment: The PTPN11 c.1649C>T variant is predicted to result in the amino acid substitution p.Ala550Val. To our knowledge, this variant has not been reported in the literature. This variant is reported in 0.0098% of alleles in individuals of South Asian descent in gnomAD. Although we suspect that this variant may be benign, at this time, the clinical significance of this variant is uncertain due to the absence of conclusive functional and genetic evidence.

Labcorp Genetics (formerly Invitae), Labcorp
Classification: Uncertain significance for RASopathy. Last evaluated: 2026-01-21. Review status: criteria provided, single submitter. Criteria: Invitae Variant Classification Sherloc (09022015). Collection method: clinical testing. Allele origin: germline.
Comment: This sequence change replaces alanine, which is neutral and non-polar, with valine, which is neutral and non-polar, at codon 550 of the PTPN11 protein (p.Ala550Val). This variant is present in population databases (rs767712281, gnomAD 0.01%). This variant has not been reported in the literature in individuals affected with PTPN11-related conditions. ClinVar contains an entry for this variant (Variation ID: 279918). Invitae Evidence Modeling of protein sequence and biophysical properties (such as structural, functional, and spatial information, amino acid conservation, physicochemical variation, residue mobility, and thermodynamic stability) indicates that this missense variant is not expected to disrupt PTPN11 protein function with a negative predictive value of 80%. In summary, the available evidence is currently insufficient to determine the role of this variant in disease. Therefore, it has been classified as a Variant of Uncertain Significance.

CeGaT Center for Human Genetics Tuebingen
Classification: Likely benign. Last evaluated: 2026-01-01. Review status: criteria provided, single submitter. Criteria: CeGaT Center For Human Genetics Tuebingen Variant Classification Criteria Version 2. Collection method: clinical testing. Allele origin: germline. Affected: yes. Observed: 1 variant allele.
Comment: PTPN11: PP2, BP4, BS1

Ambry Genetics
Classification: Likely benign for Cardiovascular phenotype. Last evaluated: 2025-09-10. Review status: criteria provided, single submitter. Criteria: Ambry Variant Classification Scheme 2023. Collection method: clinical testing. Allele origin: germline.

Blueprint Genetics
Classification: Likely benign. Last evaluated: 2024-09-05. Review status: criteria provided, single submitter. Criteria: ACMG Guidelines, 2015. Collection method: clinical testing. Allele origin: germline.

Women's Health and Genetics/Laboratory Corporation of America, LabCorp
Classification: Uncertain significance. Last evaluated: 2021-07-12. Review status: criteria provided, single submitter. Criteria: LabCorp Variant Classification Summary - May 2015. Collection method: clinical testing. Allele origin: germline.
Comment: Variant summary: PTPN11 c.1649C>T (p.Ala550Val) results in a non-conservative amino acid change in the encoded protein sequence. Four of five in-silico tools predict a benign effect of the variant on protein function. The variant allele was found at a frequency of 3.6e-05 in 251040 control chromosomes (gnomAD). The available data on variant occurrences in the general population are insufficient to allow any conclusion about variant significance. To our knowledge, no occurrence of c.1649C>T in individuals affected with Noonan Syndrome And Related Conditions and no experimental evidence demonstrating its impact on protein function have been reported. One other ClinVar submitter (evaluation after 2014) cites the variant as likely benign. Based on the evidence outlined above, the variant was classified as uncertain significance.

GeneDx
Classification: Likely benign. Last evaluated: 2020-12-01. Review status: criteria provided, single submitter. Criteria: GeneDx Variant Classification Process June 2021. Collection method: clinical testing. Allele origin: germline. Affected: yes.

NM_002834.5(PTPN11):c.1649C>T (p.Ala550Val)

Gene: PTPN11 (protein tyrosine phosphatase non-receptor type 11; plus strand). Cytogenetic location: 12q24.13.
Variant type: single nucleotide variant.
Coding change: c.1649C>T on transcript NM_002834.5 (MANE Select); coding-DNA position 1649, C replaced by T.
Protein change: p.Ala550Val; replaces alanine 550 with valine.
Molecular consequence: missense variant.
Genome position (GRCh38, 1-based): chr12:112,502,193, C>T. VCF-style: chr12-112502193-C-T. GRCh37 (hg19) VCF-style: chr12-112939997-C-T.
Other names: c.1661C>T, p.Ala554Val (NM_001330437.2); c.1646C>T, p.Ala549Val (NM_001374625.1); short protein forms A550V, A554V, A549V.
Identifiers: ClinVar variation 279918 (VCV000279918.16), dbSNP rs767712281, ClinGen allele CA6798831.
Genomic context (GRCh38, chr12:112,502,193, plus strand): 5'-CCAAATTTCAGAAAAGCAAGAGGAAAGGGCACGAATATACAAATATTAAGTATTCTCTAG[C>T]GGACCAGACGAGTGGAGATCAGAGCCCTCTCCCGCCTTGTACTCCAACGCCACCCTGTGC-3'
Protein context (NP_002825.3, residues 540-560): HEYTNIKYSL[Ala550Val]DQTSGDQSPL